The following is an entry in ClinVar:

ClinVar aggregate classification (germline): Uncertain significance (1 of 4 stars; one submission).

Conditions:
Neurodevelopmental disorder with or without early-onset generalized epilepsy. Identifiers: MedGen C5436914, MONDO:0030930, OMIM 619157.

Allele frequency attached by ClinVar (database versions not stated): gnomAD 0.00001; gnomAD exomes 0.00001; ExAC 0.00002.
gnomAD v4.1: 12 of 1,611,132 alleles (0.00074%); highest among the groups gnomAD compares: South Asian, 0.013%; no homozygotes.

Submission:

Neuberg Centre For Genomic Medicine, NCGM
Classification: Uncertain significance for Neurodevelopmental disorder with or without early-onset generalized epilepsy. Review status: criteria provided, single submitter. Criteria: ACMG Guidelines, 2015. Collection method: clinical testing. Allele origin: germline. Inheritance: Autosomal dominant inheritance. Affected: yes.
Comment: The observed missense variant c.4904G>A (p.Ser1635Asn) in NBEA gene has not been reported previously as a pathogenic variant nor as a benign variant, to our knowledge. The p.Ser1635Asn variant is present with an allele frequency of 0.01% in gnomAD exomes database. This variant has not been submitted to the ClinVar database. Multiple lines of computational evidence (SIFT - tolerated; Polyphen - possibly damaging; MutationTaster - polymorphism) predicts no damaging effect on protein structure and function for this variant. The amino acid change p.Ser1635Asn in NBEA is predicted as conserved by GERP++ and PhyloP across 100 vertebrates. The amino acid Ser at position 1635 is changed to a Asn changing protein sequence and it might alter its composition and physico-chemical properties. For these reasons, this variant has been classified as a Variant of Uncertain Significance (VUS).

NM_001385012.1(NBEA):c.4904G>A (p.Ser1635Asn)

Gene: NBEA (neurobeachin; plus strand). Cytogenetic location: 13q13.3.
Variant type: single nucleotide variant.
Coding change: c.4904G>A on transcript NM_001385012.1 (MANE Select); coding-DNA position 4904, G replaced by A.
Protein change: p.Ser1635Asn; replaces serine 1635 with asparagine.
Molecular consequence: missense variant.
Genome position (GRCh38, 1-based): chr13:35,184,048, G>A. VCF-style: chr13-35184048-G-A. GRCh37 (hg19) VCF-style: chr13-35758185-G-A.
Other names: c.4895G>A, p.Ser1632Asn (NM_001379245.1); c.4904G>A, p.Ser1635Asn (NM_015678.5); short protein forms S1632N, S1635N.
Identifiers: ClinVar variation 3242158 (VCV003242158.1), dbSNP rs766298140.